The following is an entry in ClinVar:

NM_024312.5(GNPTAB):c.377T>A (p.Leu126Ter)

Gene: GNPTAB (N-acetylglucosamine-1-phosphate transferase subunits alpha and beta; minus strand). Cytogenetic location: 12q23.2.
Variant type: single nucleotide variant.
Coding change: c.377T>A on transcript NM_024312.5 (MANE Select); coding-DNA position 377, T replaced by A.
Protein change: p.Leu126Ter; replaces leucine 126 with a stop codon.
Molecular consequence: nonsense.
Genome position (GRCh38, 1-based): chr12:101,786,206, A>T on the plus strand (T>A on the coding strand, the complement: GNPTAB is on the minus strand). VCF-style: chr12-101786206-A-T. GRCh37 (hg19) VCF-style: chr12-102179984-A-T.
Other names: c.377T>A (NM_024312.4); short protein forms L126*.
Identifiers: ClinVar variation 197858 (VCV000197858.15), dbSNP rs774506925, ClinGen allele CA275310.
Genomic context (GRCh38, chr12:101,786,206, plus strand): 5'-GGCAGGGCTGGGTCCAGGACAAGCATTGGCACCTTAATGCAGTGTGTTAGCAAACACTCT[A>T]ACTGCTTCTCACTGGAAAGAAACACCAACATGCTTACAATTACATTCTTGAAATTTAATC-3'

ClinVar aggregate classification (germline): Pathogenic/Likely pathogenic. Review status: criteria provided, multiple submitters, no conflicts (2 of 4 stars). 4 submissions from 4 submitters: Pathogenic (3); Likely pathogenic (1). Last evaluated 2025-09-30.

Conditions:
Mucolipidosis. Also called: Mucolipidoses. Identifiers: Orphanet 79212, MedGen C0026697, MONDO:0019248.
Mucolipidosis type II. Also called: Mucolipidosis II Alpha/Beta; Mucolipidosis 2; ML 2; Inclusion cell disease; Leroy Disease; N-acetylglucosamine 1phosphotransferase deficiency. Identifiers: Orphanet 576, MedGen C2673377, MONDO:0009650, OMIM 252500.
Pseudo-Hurler polydystrophy. Also called: Mucolipidosis III Alpha/Beta; Type III Mucolipidosis; ML IIIA; ML III; ML III ALPHA/BETA; MUCOLIPIDOSIS IIIA. Identifiers: Orphanet 423461, Orphanet 577, MedGen C0033788, MONDO:0018931, OMIM 252600.

Allele frequency attached by ClinVar (database versions not stated): gnomAD exomes 0.00002; ExAC 0.00002.
gnomAD v4.1: 24 of 1,612,684 alleles (0.0015%); highest among the groups gnomAD compares: Non-Finnish European, 0.0019%; no homozygotes.

Submissions (4):

Labcorp Genetics (formerly Invitae), Labcorp
Classification: Pathogenic for Pseudo-Hurler polydystrophy; Mucolipidosis type II. Last evaluated: 2025-09-30. Review status: criteria provided, single submitter. Criteria: Invitae Variant Classification Sherloc (09022015). Collection method: clinical testing. Allele origin: germline.
Comment: This sequence change creates a premature translational stop signal (p.Leu126*) in the GNPTAB gene. It is expected to result in an absent or disrupted protein product. Loss-of-function variants in GNPTAB are known to be pathogenic (PMID: 19617216, 25107912). This variant is present in population databases (rs774506925, gnomAD 0.005%). This premature translational stop signal has been observed in individual(s) with GNPTAB-related conditions (PMID: 30882951). ClinVar contains an entry for this variant (Variation ID: 197858). For these reasons, this variant has been classified as Pathogenic.

Natera, Inc.
Classification: Likely pathogenic for Mucolipidosis type II. Last evaluated: 2025-04-11. Review status: criteria provided, single submitter. Criteria: Natera Variant Classification Schema (03/2026). Collection method: clinical testing. Allele origin: germline.
Comment: The c.377T>A variant in GNPTAB is a nonsense variant predicted to introduce a stop codon at amino acid 126. This variant is expected to result in nonsense mediated decay, truncation, or a dysfunctional protein product. This variant is rare in the general population with a frequency below the threshold expected for the associated phenotype(s). Given the available evidence, this variant is classified as Likely Pathogenic.

Women's Health and Genetics/Laboratory Corporation of America, LabCorp
Classification: Pathogenic for Mucolipidosis. Last evaluated: 2024-10-08. Review status: criteria provided, single submitter. Criteria: LabCorp Variant Classification Summary - May 2015. Collection method: clinical testing. Allele origin: germline.
Comment: Variant summary: GNPTAB c.377T>A (p.Leu126X) results in a premature termination codon, predicted to cause a truncation of the encoded protein or absence of the protein due to nonsense mediated decay, which are commonly known mechanisms for disease. The variant allele was found at a frequency of 2.4e-05 in 249350 control chromosomes. c.377T>A has been reported in the literature in at-least one individual affected with Mucolipidosis (example: Velho_2019). The following publication has been ascertained in the context of this evaluation (PMID: 30882951). ClinVar contains an entry for this variant (Variation ID: 197858). Based on the evidence outlined above, the variant was classified as pathogenic.

Eurofins Ntd Llc (ga)
Classification: Pathogenic. Last evaluated: 2014-05-22. Review status: criteria provided, single submitter. Criteria: EGL Classification Definitions 2015. Collection method: clinical testing. Allele origin: germline. Observed: 2 variant alleles, 2 heterozygotes.

Literature cited by the submitters: PubMed 19617216 (cited by Labcorp Genetics (formerly Invitae), Labcorp); PubMed 25107912 (cited by Labcorp Genetics (formerly Invitae), Labcorp); PubMed 30882951 (cited by Labcorp Genetics (formerly Invitae), Labcorp and Women's Health and Genetics/Laboratory Corporation of America, LabCorp).